The following is an entry in ClinVar:

ClinVar aggregate classification (germline): Uncertain significance. Review status: criteria provided, multiple submitters, no conflicts (2 of 4 stars). 2 submissions from 2 submitters: Uncertain significance (2). Last evaluated 2026-01-19.

Conditions:
Ataxia-telangiectasia syndrome (AT). Also called: ATAXIA-TELANGIECTASIA, FRESNO VARIANT; Ataxia-telangiectasia, complementation group D; Cerebello-oculocutaneous telangiectasia; Immunodeficiency with ataxia telangiectasia; Ataxia-telangiectasia; Ataxia telangiectasia (A-T). Identifiers: Orphanet 100, MedGen C0004135, MONDO:0008840, OMIM 208900.
Hereditary cancer-predisposing syndrome. Also called: Neoplastic Syndromes, Hereditary; Hereditary neoplastic syndrome; Hereditary Cancer Syndrome; Tumor predisposition. Identifiers: Orphanet 140162, MedGen C0027672, MeSH D009386, MONDO:0015356.

Submissions (2):

Labcorp Genetics (formerly Invitae), Labcorp
Classification: Uncertain significance for Ataxia-telangiectasia syndrome. Last evaluated: 2026-01-19. Review status: criteria provided, single submitter. Criteria: Invitae Variant Classification Sherloc (09022015). Collection method: clinical testing. Allele origin: germline.
Comment: This sequence change replaces glutamic acid, which is acidic and polar, with lysine, which is basic and polar, at codon 953 of the ATM protein (p.Glu953Lys). This variant is not present in population databases (gnomAD no frequency). This variant has not been reported in the literature in individuals affected with ATM-related conditions. ClinVar contains an entry for this variant (Variation ID: 656068). Invitae Evidence Modeling of protein sequence and biophysical properties (such as structural, functional, and spatial information, amino acid conservation, physicochemical variation, residue mobility, and thermodynamic stability) indicates that this missense variant is not expected to disrupt ATM protein function with a negative predictive value of 95%. In summary, the available evidence is currently insufficient to determine the role of this variant in disease. Therefore, it has been classified as a Variant of Uncertain Significance.

Ambry Genetics
Classification: Uncertain significance for Hereditary cancer-predisposing syndrome. Last evaluated: 2024-09-12. Review status: criteria provided, single submitter. Criteria: Ambry Variant Classification Scheme 2023. Collection method: clinical testing. Allele origin: germline.
Comment: The p.E953K variant (also known as c.2857G>A), located in coding exon 18 of the ATM gene, results from a G to A substitution at nucleotide position 2857. The glutamic acid at codon 953 is replaced by lysine, an amino acid with similar properties. This amino acid position is not well conserved in available vertebrate species. In addition, this alteration is predicted to be tolerated by in silico analysis. Based on the available evidence, the clinical significance of this variant remains unclear.

Literature cited by the submitters: PubMed 30833958 (cited by Ambry Genetics).

NM_000051.4(ATM):c.2857G>A (p.Glu953Lys)

Gene: ATM (ATM serine/threonine kinase; plus strand). Cytogenetic location: 11q22.3.
Variant type: single nucleotide variant.
Coding change: c.2857G>A on transcript NM_000051.4 (MANE Select); coding-DNA position 2857, G replaced by A.
Protein change: p.Glu953Lys; replaces glutamic acid 953 with lysine.
Molecular consequence: missense variant.
Genome position (GRCh38, 1-based): chr11:108,271,082, G>A. VCF-style: chr11-108271082-G-A. GRCh37 (hg19) VCF-style: chr11-108141809-G-A.
Other names: c.2857G>A, p.Glu953Lys (NM_001351834.2); short protein forms E953K.
Identifiers: ClinVar variation 656068 (VCV000656068.10), dbSNP rs1591602248, ClinGen allele CA382546747.